The following is an entry in ClinVar:

NM_003718.5(CDK13):c.2272C>T (p.Gln758Ter)

Gene: CDK13 (cyclin dependent kinase 13; plus strand). Cytogenetic location: 7p14.1.
Variant type: single nucleotide variant.
Coding change: c.2272C>T on transcript NM_003718.5 (MANE Select); coding-DNA position 2272, C replaced by T.
Protein change: p.Gln758Ter; replaces glutamine 758 with a stop codon.
Molecular consequence: nonsense.
Genome position (GRCh38, 1-based): chr7:40,001,950, C>T. VCF-style: chr7-40001950-C-T. GRCh37 (hg19) VCF-style: chr7-40041549-C-T.
Other names: c.2272C>T, p.Gln758Ter (NM_031267.4); short protein forms Q758*.
Identifiers: ClinVar variation 3359514 (VCV003359514.2).

ClinVar aggregate classification (germline): Likely pathogenic (1 of 4 stars; one submission).

Submission:

GeneDx
Classification: Likely pathogenic. Last evaluated: 2026-08-26. Review status: criteria provided, single submitter. Criteria: GeneDx Variant Classification Process June 2021. Collection method: clinical testing. Allele origin: germline.
Comment: Not observed at significant frequency in large population cohorts (gnomAD); Has not been previously published as pathogenic or benign to our knowledge; Nonsense variant predicted to result in protein truncation or nonsense mediated decay in a gene for which loss of function is a known mechanism of disease